The following is an entry in ClinVar:

NM_000540.3(RYR1):c.3345A>G (p.Gly1115=)

Gene: RYR1 (ryanodine receptor 1; plus strand). Cytogenetic location: 19q13.2.
Variant type: single nucleotide variant.
Coding change: c.3345A>G on transcript NM_000540.3 (MANE Select); coding-DNA position 3345, A replaced by G.
Protein change: p.Gly1115=; no amino-acid change (glycine 1115 retained).
Molecular consequence: synonymous variant.
Genome position (GRCh38, 1-based): chr19:38,467,776, A>G. VCF-style: chr19-38467776-A-G. GRCh37 (hg19) VCF-style: chr19-38958416-A-G.
Other names: c.3345A>G, p.Gly1115= (NM_001042723.2).
Identifiers: ClinVar variation 2890564 (VCV002890564.3), dbSNP rs2514102774, ClinGen allele CA507234864.

ClinVar aggregate classification (germline): Uncertain significance (1 of 4 stars; one submission).

Conditions:
RYR1-related disorder. Also called: RYR1-related condition; RYR1-related disorders. Identifiers: MedGen CN239331.

Submission:

Labcorp Genetics (formerly Invitae), Labcorp
Classification: Uncertain significance for RYR1-related disorder. Last evaluated: 2023-10-10. Review status: criteria provided, single submitter. Criteria: Invitae Variant Classification Sherloc (09022015). Collection method: clinical testing. Allele origin: germline.
Comment: This sequence change affects codon 1115 of the RYR1 mRNA. It is a 'silent' change, meaning that it does not change the encoded amino acid sequence of the RYR1 protein. This variant is not present in population databases (gnomAD no frequency). This variant has not been reported in the literature in individuals affected with RYR1-related conditions. Algorithms developed to predict the effect of sequence changes on RNA splicing suggest that this variant may disrupt the consensus splice site. In summary, the available evidence is currently insufficient to determine the role of this variant in disease. Therefore, it has been classified as a Variant of Uncertain Significance.